The following is an entry in ClinVar:

ClinVar aggregate classification (germline): Conflicting classifications of pathogenicity. Review status: criteria provided, conflicting classifications (1 of 4 stars). 2 submissions from 2 submitters: Likely pathogenic (1); Uncertain significance (1). Last evaluated 2026-08-24.

Conditions:
Snijders Blok-Campeau syndrome. Also called: INTELLECTUAL DEVELOPMENTAL DISORDER WITH MACROCEPHALY, SPEECH DELAY, AND DYSMORPHIC FACIES. Identifiers: Orphanet 599082, MedGen C4748701, MONDO:0032600, OMIM 618205.

Submissions (2):

Institute of Human Genetics, University of Leipzig Medical Center
Classification: Likely pathogenic for Snijders Blok-Campeau syndrome. Last evaluated: 2026-08-24. Review status: criteria provided, single submitter. Criteria: ACMG Guidelines, 2015. Collection method: clinical testing. Allele origin: de novo. Inheritance: Autosomal dominant inheritance. Affected: yes.
Comment: Criteria applied: PS2_MOD,PM5,PP2,PP3

Department of Human Genetics, Hannover Medical School
Classification: Uncertain significance for Snijders Blok-Campeau syndrome. Last evaluated: 2025-01-28. Review status: criteria provided, single submitter. Criteria: ACMG Guidelines, 2015. Collection method: clinical testing. Allele origin: germline. Affected: yes.
Comment: ACMG: PM1, PP3_Moderate, PP2

NM_001005273.3(CHD3):c.3431A>G (p.Asn1144Ser)

Gene: CHD3 (chromodomain helicase DNA binding protein 3; plus strand). Cytogenetic location: 17p13.1.
Variant type: single nucleotide variant.
Coding change: c.3431A>G on transcript NM_001005273.3 (MANE Select); coding-DNA position 3431, A replaced by G.
Protein change: p.Asn1144Ser; replaces asparagine 1144 with serine.
Molecular consequence: missense variant.
Genome position (GRCh38, 1-based): chr17:7,902,997, A>G. VCF-style: chr17-7902997-A-G. GRCh37 (hg19) VCF-style: chr17-7806315-A-G.
Other names: c.3608A>G, p.Asn1203Ser (NM_001005271.3); c.3431A>G, p.Asn1144Ser (NM_005852.4); short protein forms N1144S, N1203S.
Identifiers: ClinVar variation 3600340 (VCV003600340.2).